The following is an entry in ClinVar:

ClinVar aggregate classification (germline): Pathogenic (1 of 4 stars; one submission).

Conditions:
Autosomal recessive limb-girdle muscular dystrophy type 2D (LGMDR3). Also called: DUCHENNE-LIKE AUTOSOMAL RECESSIVE MUSCULAR DYSTROPHY, TYPE 2; MUSCULAR DYSTROPHY, LIMB-GIRDLE, AUTOSOMAL RECESSIVE 3; ADHALINOPATHY, PRIMARY. Identifiers: Orphanet 62, MedGen C2936332, MONDO:0011968, OMIM 608099. Disease mechanism: Affects gamma-sarcoglycan and also disrupts the integrity of the entire sarcoglycan complex..

Submission:

Labcorp Genetics (formerly Invitae), Labcorp
Classification: Pathogenic for Autosomal recessive limb-girdle muscular dystrophy type 2D. Last evaluated: 2021-09-06. Review status: criteria provided, single submitter. Criteria: Invitae Variant Classification Sherloc (09022015). Collection method: clinical testing. Allele origin: germline.
Comment: This sequence change creates a premature translational stop signal (p.Phe36Leufs*11) in the SGCA gene. It is expected to result in an absent or disrupted protein product. Loss-of-function variants in SGCA are known to be pathogenic (PMID: 9192266). This variant is not present in population databases (ExAC no frequency). This variant has not been reported in the literature in individuals affected with SGCA-related conditions. For these reasons, this variant has been classified as Pathogenic.

Literature cited by the submitters: PubMed 9192266.

NM_000023.4(SGCA):c.105del (p.Phe36fs)

Gene: SGCA (sarcoglycan alpha; plus strand). Cytogenetic location: 17q21.33.
Variant type: Deletion.
Coding change: c.105del on transcript NM_000023.4 (MANE Select); coding-DNA position 105, one base deleted (C; older notation c.105delC).
Protein change: p.Phe36fs; shifts the reading frame from phenylalanine 36.
Molecular consequence: frameshift variant. On other transcripts: non-coding transcript variant (1).
Genome position (GRCh38, 1-based): chr17:50,167,435, C deleted. VCF-style (leftmost placement, unchanged base first): chr17-50167434-TC-T. GRCh37 (hg19) VCF-style: chr17-48244795-TC-T.
Other names: c.105del, p.Phe36fs (NM_001135697.3); short protein forms F36fs.
Identifiers: ClinVar variation 1453713 (VCV001453713.6), dbSNP rs2144493323, ClinGen allele CA2573154165.
Genomic context (GRCh38, chr17:50,167,434, plus strand): 5'-TGGCAGGGCTGGGGGACACCGAGGCCCAGCAGACCACGCTACACCCACTTGTGGGCCGTG[TC>T]TTTGTGCACACCTTGGACCATGAGACGTTTCTGAGCCTTCCTGAGCATGTCGGTGAGCGG-3'